The following is an entry in ClinVar:

NM_001164508.2(NEB):c.18136G>C (p.Ala6046Pro)

Gene: NEB (nebulin; minus strand). Cytogenetic location: 2q23.3.
Variant type: single nucleotide variant.
Coding change: c.18136G>C on transcript NM_001164508.2 (MANE Select); coding-DNA position 18136, G replaced by C.
Protein change: p.Ala6046Pro; replaces alanine 6046 with proline.
Molecular consequence: missense variant.
Genome position (GRCh38, 1-based): chr2:151,567,188, C>G on the plus strand (G>C on the coding strand, the complement: NEB is on the minus strand). VCF-style: chr2-151567188-C-G. GRCh37 (hg19) VCF-style: chr2-152423702-C-G.
Other names: c.18136G>C, p.Ala6046Pro (NM_001164507.2, NM_001271208.2); c.13033G>C, p.Ala4345Pro (NM_004543.5); short protein forms A4345P, A6046P.
Identifiers: ClinVar variation 1013718 (VCV001013718.8), dbSNP rs2096445433, ClinGen allele CA348802816.

ClinVar aggregate classification (germline): Uncertain significance (1 of 4 stars; one submission).

Conditions:
Nemaline myopathy 2 (NEM2). Also called: Nemaline myopathy 2, autosomal recessive. Identifiers: MedGen C1850569, MONDO:0009725, OMIM 256030.

Submission:

Labcorp Genetics (formerly Invitae), Labcorp
Classification: Uncertain significance for Nemaline myopathy 2. Last evaluated: 2022-07-19. Review status: criteria provided, single submitter. Criteria: Invitae Variant Classification Sherloc (09022015). Collection method: clinical testing. Allele origin: germline.
Comment: This variant has not been reported in the literature in individuals affected with NEB-related conditions. This variant is not present in population databases (gnomAD no frequency). This sequence change replaces alanine, which is neutral and non-polar, with proline, which is neutral and non-polar, at codon 6046 of the NEB protein (p.Ala6046Pro). ClinVar contains an entry for this variant (Variation ID: 1013718). In summary, the available evidence is currently insufficient to determine the role of this variant in disease. Therefore, it has been classified as a Variant of Uncertain Significance. Algorithms developed to predict the effect of missense changes on protein structure and function are either unavailable or do not agree on the potential impact of this missense change (SIFT: "Deleterious"; PolyPhen-2: "Not Available"; Align-GVGD: "Class C0").